The following is an entry in ClinVar:

NM_021975.4(RELA):c.1403C>T (p.Ser468Phe)

Gene: RELA (RELA proto-oncogene, NF-kB subunit; minus strand). Cytogenetic location: 11q13.1.
Variant type: single nucleotide variant.
Coding change: c.1403C>T on transcript NM_021975.4 (MANE Select); coding-DNA position 1403, C replaced by T.
Protein change: p.Ser468Phe; replaces serine 468 with phenylalanine.
Molecular consequence: missense variant. On other transcripts: intron variant (1).
Genome position (GRCh38, 1-based): chr11:65,654,631, G>A on the plus strand (C>T on the coding strand, the complement: RELA is on the minus strand). VCF-style: chr11-65654631-G-A. GRCh37 (hg19) VCF-style: chr11-65422102-G-A.
Other names: c.1394C>T, p.Ser465Phe (NM_001145138.2); c.1196C>T, p.Ser399Phe (NM_001243984.2); c.1436C>T, p.Ser479Phe (NM_001404657.1); c.1376C>T, p.Ser459Phe (NM_001404658.1); c.1190C>T, p.Ser397Phe (NM_001404659.1); c.1085C>T, p.Ser362Phe (NM_001404660.1); c.1022C>T, p.Ser341Phe (NM_001404661.1); c.1310C>T, p.Ser437Phe (NM_001404662.1, NM_001404663.1); and 1 more; short protein forms S341F, S362F, S397F, S399F, S437F, S459F, S465F, S468F.
Identifiers: ClinVar variation 4690179 (VCV004690179.1).

ClinVar aggregate classification (germline): Uncertain significance (1 of 4 stars; one submission).

Submission:

GeneDx
Classification: Uncertain significance. Last evaluated: 2025-08-01. Review status: criteria provided, single submitter. Criteria: GeneDx Variant Classification Process June 2021. Collection method: clinical testing. Allele origin: germline. Affected: yes.
Comment: Not observed at significant frequency in large population cohorts (gnomAD); In silico analysis supports that this missense variant has a deleterious effect on protein structure/function; Has not been previously published as pathogenic or benign to our knowledge